The following is an entry in ClinVar:

ClinVar aggregate classification (germline): Benign/Likely benign. Review status: criteria provided, multiple submitters, no conflicts (2 of 4 stars). 4 submissions from 4 submitters: Benign (2); Likely benign (2). Last evaluated 2026-06-01.

Conditions:
Epileptic encephalopathy. Identifiers: MedGen C0543888, HP:0200134.

Allele frequency attached by ClinVar (database versions not stated): 1000 Genomes Project 0.00280; ESP Exome Variant Server 0.00292; gnomAD 0.00300; gnomAD exomes 0.00020 and 0.00076; ExAC 0.00088; 1000 Genomes Project 30x 0.00265; TOPMed 0.00275.
gnomAD v4.1: 747 of 1,535,322 alleles (0.049%); highest among the groups gnomAD compares: African/African-American, 0.85%; 2 homozygotes.

Submissions (4):

CeGaT Center for Human Genetics Tuebingen
Classification: Likely benign. Last evaluated: 2026-06-01. Review status: criteria provided, single submitter. Criteria: CeGaT Center For Human Genetics Tuebingen Variant Classification Criteria Version 2. Collection method: clinical testing. Allele origin: germline. Affected: yes. Observed: 1 variant allele.
Comment: GABBR2: BP4, BS1

Labcorp Genetics (formerly Invitae), Labcorp
Classification: Benign for Epileptic encephalopathy. Last evaluated: 2026-02-03. Review status: criteria provided, single submitter. Criteria: Invitae Variant Classification Sherloc (09022015). Collection method: clinical testing. Allele origin: germline.

Blueprint Genetics
Classification: Likely benign. Last evaluated: 2024-11-14. Review status: criteria provided, single submitter. Criteria: ACMG Guidelines, 2015. Collection method: clinical testing. Allele origin: germline.

GeneDx
Classification: Benign. Last evaluated: 2018-11-27. Review status: criteria provided, single submitter. Criteria: GeneDx Variant Classification Process June 2021. Collection method: clinical testing. Allele origin: germline. Affected: yes.

NM_005458.8(GABBR2):c.1237-8G>A

Gene: GABBR2 (gamma-aminobutyric acid type B receptor subunit 2; minus strand). Cytogenetic location: 9q22.33.
Variant type: single nucleotide variant.
Coding change: c.1237-8G>A on transcript NM_005458.8 (MANE Select); 8 bases into the intron before coding-DNA position 1237, G replaced by A.
Molecular consequence: intron variant.
Genome position (GRCh38, 1-based): chr9:98,406,149, C>T on the plus strand (G>A on the coding strand, the complement: GABBR2 is on the minus strand). VCF-style: chr9-98406149-C-T. GRCh37 (hg19) VCF-style: chr9-101168431-C-T.
Identifiers: ClinVar variation 462122 (VCV000462122.17), dbSNP rs141830622, ClinGen allele CA5152776.